The following is an entry in ClinVar:

NM_004304.5(ALK):c.4227G>C (p.Glu1409Asp)

Gene: ALK (ALK receptor tyrosine kinase; minus strand). Cytogenetic location: 2p23.2.
Variant type: single nucleotide variant.
Coding change: c.4227G>C on transcript NM_004304.5 (MANE Select); coding-DNA position 4227, G replaced by C.
Protein change: p.Glu1409Asp; replaces glutamic acid 1409 with aspartic acid.
Molecular consequence: missense variant.
Genome position (GRCh38, 1-based): chr2:29,193,860, C>G on the plus strand (G>C on the coding strand, the complement: ALK is on the minus strand). VCF-style: chr2-29193860-C-G. GRCh37 (hg19) VCF-style: chr2-29416726-C-G.
Other names: c.4227G>C (NM_004304.4); c.1023G>C, p.Glu341Asp (NM_001353765.2); short protein forms E341D, E1409D.
Identifiers: ClinVar variation 3636066 (VCV003636066.3).

ClinVar aggregate classification (germline): Uncertain significance. Review status: criteria provided, multiple submitters, no conflicts (2 of 4 stars). 2 submissions from 2 submitters: Uncertain significance (2). Last evaluated 2026-06-12.

Conditions:
Neuroblastoma, susceptibility to, 3. Also called: ALK-Related Neuroblastic Tumor Susceptibility. Identifiers: Orphanet 635, MedGen C2751681, MONDO:0013083, OMIM 613014.
Hereditary cancer-predisposing syndrome. Also called: Hereditary neoplastic syndrome; Tumor predisposition; Hereditary Cancer Syndrome; Neoplastic Syndromes, Hereditary. Identifiers: Orphanet 140162, MedGen C0027672, MeSH D009386, MONDO:0015356.

gnomAD v4.1: 15 of 1,613,866 alleles (0.00093%); highest among the groups gnomAD compares: Non-Finnish European, 0.0013%; no homozygotes.

Submissions (2):

Ambry Genetics
Classification: Uncertain significance for Hereditary cancer-predisposing syndrome. Last evaluated: 2026-06-12. Review status: criteria provided, single submitter. Criteria: Ambry Variant Classification Scheme 2023. Collection method: clinical testing. Allele origin: germline.
Comment: The p.E1409D variant (also known as c.4227G>C), located in coding exon 29 of the ALK gene, results from a G to C substitution at nucleotide position 4227. The glutamic acid at codon 1409 is replaced by aspartic acid, an amino acid with highly similar properties. This amino acid position is highly conserved in available vertebrate species. In addition, this alteration is predicted to be tolerated by in silico analysis. Based on the available evidence, the clinical significance of this variant remains unclear.

Labcorp Genetics (formerly Invitae), Labcorp
Classification: Uncertain significance for Neuroblastoma, susceptibility to, 3. Last evaluated: 2024-12-17. Review status: criteria provided, single submitter. Criteria: Invitae Variant Classification Sherloc (09022015). Collection method: clinical testing. Allele origin: germline.
Comment: This sequence change replaces glutamic acid, which is acidic and polar, with aspartic acid, which is acidic and polar, at codon 1409 of the ALK protein (p.Glu1409Asp). This variant is present in population databases (rs139086136, gnomAD 0.0009%). This variant has not been reported in the literature in individuals affected with ALK-related conditions. An algorithm developed to predict the effect of missense changes on protein structure and function (PolyPhen-2) suggests that this variant is likely to be disruptive. In summary, the available evidence is currently insufficient to determine the role of this variant in disease. Therefore, it has been classified as a Variant of Uncertain Significance.